The following is an entry in ClinVar:

NM_004944.4(DNASE1L3):c.601G>A (p.Ala201Thr)

Gene: DNASE1L3 (deoxyribonuclease 1L3; minus strand). Cytogenetic location: 3p14.3.
Variant type: single nucleotide variant.
Coding change: c.601G>A on transcript NM_004944.4 (MANE Select); coding-DNA position 601, G replaced by A.
Protein change: p.Ala201Thr; replaces alanine 201 with threonine.
Molecular consequence: missense variant.
Genome position (GRCh38, 1-based): chr3:58,197,924, C>T on the plus strand (G>A on the coding strand, the complement: DNASE1L3 is on the minus strand). VCF-style: chr3-58197924-C-T. GRCh37 (hg19) VCF-style: chr3-58183651-C-T.
Other names: c.511G>A, p.Ala171Thr (NM_001256560.2); short protein forms A201T, A171T.
Identifiers: ClinVar variation 1355837 (VCV001355837.9), dbSNP rs777430061, ClinGen allele CA2469911.

ClinVar aggregate classification (germline): Uncertain significance. Review status: criteria provided, multiple submitters, no conflicts (2 of 4 stars). 2 submissions from 2 submitters: Uncertain significance (2). Last evaluated 2022-04-12.

Conditions:
Autosomal systemic lupus erythematosus type 16. Also called: Systemic lupus erythematosus 16. Identifiers: Orphanet 300345, MedGen C3280742, MONDO:0013743, OMIM 614420.

Allele frequency attached by ClinVar (database versions not stated): gnomAD exomes 0.00001 and 0.00002; TOPMed 0.00001; gnomAD 0.00003; ExAC 0.00004.
gnomAD v4.1: 15 of 1,613,948 alleles (0.00093%); highest among the groups gnomAD compares: Non-Finnish European, 0.00025%; no homozygotes.

Submissions (2):

Fulgent Genetics
Classification: Uncertain significance for Autosomal systemic lupus erythematosus type 16. Last evaluated: 2022-04-12. Review status: criteria provided, single submitter. Criteria: ACMG Guidelines, 2015. Collection method: clinical testing. Allele origin: unknown.

Labcorp Genetics (formerly Invitae), Labcorp
Classification: Uncertain significance. Last evaluated: 2021-12-27. Review status: criteria provided, single submitter. Criteria: Invitae Variant Classification Sherloc (09022015). Collection method: clinical testing. Allele origin: germline.
Comment: This sequence change replaces alanine, which is neutral and non-polar, with threonine, which is neutral and polar, at codon 201 of the DNASE1L3 protein (p.Ala201Thr). This variant is present in population databases (rs777430061, gnomAD 0.02%). This variant has not been reported in the literature in individuals affected with DNASE1L3-related conditions. Algorithms developed to predict the effect of missense changes on protein structure and function are either unavailable or do not agree on the potential impact of this missense change (SIFT: "Tolerated"; PolyPhen-2: "Possibly Damaging"; Align-GVGD: "Class C0"). In summary, the available evidence is currently insufficient to determine the role of this variant in disease. Therefore, it has been classified as a Variant of Uncertain Significance.